The following is an entry in ClinVar:

NM_001042432.2(CLN3):c.294+265A>T

Gene: CLN3 (CLN3 lysosomal/endosomal transmembrane protein, battenin; minus strand). Cytogenetic location: 16p12.1.
Variant type: single nucleotide variant.
Coding change: c.294+265A>T on transcript NM_001042432.2 (MANE Select); 265 bases into the intron after coding-DNA position 294, A replaced by T.
Molecular consequence: intron variant.
Genome position (GRCh38, 1-based): chr16:28,488,326, T>A on the plus strand (A>T on the coding strand, the complement: CLN3 is on the minus strand). VCF-style: chr16-28488326-T-A. GRCh37 (hg19) VCF-style: chr16-28499647-T-A.
Other names: c.61-585A>T (NM_001286109.2); c.223-585A>T (NM_001286104.2); c.74+265A>T (NM_001286105.2); c.132+265A>T (NM_001286110.2); c.294+265A>T (NM_000086.2).
Identifiers: ClinVar variation 668096 (VCV000668096.1), dbSNP rs149281, ClinGen allele CA279785924.

ClinVar aggregate classification (germline): Benign (1 of 4 stars; one submission).

Allele frequency attached by ClinVar (database versions not stated): gnomAD 0.93847 and 0.94055; gnomAD exomes 0.93862; 1000 Genomes Project 0.97604; TOPMed 0.98023.
gnomAD v4.1: 175,747 of 186,886 alleles (94%); highest among the groups gnomAD compares: East Asian, 99%; 82,569 homozygotes.

Submission:

GeneDx
Classification: Benign. Last evaluated: 2018-06-18. Review status: criteria provided, single submitter. Criteria: GeneDx Variant Classification (06012015). Collection method: clinical testing. Allele origin: germline. Affected: yes.
Comment: This variant is considered likely benign or benign based on one or more of the following criteria: it is a conservative change, it occurs at a poorly conserved position in the protein, it is predicted to be benign by multiple in silico algorithms, and/or has population frequency not consistent with disease.